The following is an entry in ClinVar:

ClinVar aggregate classification (germline): Uncertain significance (1 of 4 stars; one submission).

Conditions:
RASopathy. Also called: rasopathies; Noonan spectrum disorder. Identifiers: Orphanet 536391, MedGen C5555857, MONDO:0021060.

Allele frequency attached by ClinVar (database versions not stated): gnomAD 0.00001.
gnomAD v4.1: 1 of 1,605,036 alleles (0.000062%); highest among the groups gnomAD compares: Non-Finnish European, 0.000085%; no homozygotes.

Submission:

Labcorp Genetics (formerly Invitae), Labcorp
Classification: Uncertain significance for RASopathy. Last evaluated: 2024-08-05. Review status: criteria provided, single submitter. Criteria: Invitae Variant Classification Sherloc (09022015). Collection method: clinical testing. Allele origin: germline.
Comment: This sequence change replaces serine, which is neutral and polar, with asparagine, which is neutral and polar, at codon 325 of the SHOC2 protein (p.Ser325Asn). This variant is not present in population databases (gnomAD no frequency). This variant has not been reported in the literature in individuals affected with SHOC2-related conditions. An algorithm developed to predict the effect of missense changes on protein structure and function (PolyPhen-2) suggests that this variant is likely to be tolerated. In summary, the available evidence is currently insufficient to determine the role of this variant in disease. Therefore, it has been classified as a Variant of Uncertain Significance.

NM_007373.4(SHOC2):c.974G>A (p.Ser325Asn)

Gene: SHOC2 (SHOC2 leucine rich repeat scaffold protein; plus strand). Cytogenetic location: 10q25.2.
Variant type: single nucleotide variant.
Coding change: c.974G>A on transcript NM_007373.4 (MANE Select); coding-DNA position 974, G replaced by A.
Protein change: p.Ser325Asn; replaces serine 325 with asparagine.
Molecular consequence: missense variant. On other transcripts: non-coding transcript variant (1).
Genome position (GRCh38, 1-based): chr10:111,004,607, G>A. VCF-style: chr10-111004607-G-A. GRCh37 (hg19) VCF-style: chr10-112764365-G-A.
Other names: c.836G>A, p.Ser279Asn (NM_001269039.3); c.974G>A, p.Ser325Asn (NM_001324336.2, NM_001324337.2); short protein forms S325N, S279N.
Identifiers: ClinVar variation 2875204 (VCV002875204.3), dbSNP rs1848436139, ClinGen allele CA378522846.